The following is an entry in ClinVar:

NM_006231.4(POLE):c.5601C>G (p.Asn1867Lys)

Gene: POLE (DNA polymerase epsilon, catalytic subunit; minus strand). Cytogenetic location: 12q24.33.
Variant type: single nucleotide variant.
Coding change: c.5601C>G on transcript NM_006231.4 (MANE Select); coding-DNA position 5601, C replaced by G.
Protein change: p.Asn1867Lys; replaces asparagine 1867 with lysine.
Molecular consequence: missense variant.
Genome position (GRCh38, 1-based): chr12:132,638,091, G>C on the plus strand (C>G on the coding strand, the complement: POLE is on the minus strand). VCF-style: chr12-132638091-G-C. GRCh37 (hg19) VCF-style: chr12-133214677-G-C.
Other names: short protein forms N1867K.
Identifiers: ClinVar variation 2089742 (VCV002089742.4), dbSNP rs2138501588, ClinGen allele CA387374124.
Genomic context (GRCh38, chr12:132,638,091, plus strand): 5'-CACGTAAGCGATGGCATCTTCCACACGGCGCTTCTTTGTACAGAGGATGATGCGGTTGAA[G>C]TTGGCGTAGATGACTGATGACCCCAGGCGCTTGAACTCAGCGATGAGCCTGTGGAGCAAG-3'
Protein context (NP_006222.2, residues 1857-1877): KRLGSSVIYA[Asn1867Lys]FNRIILCTKK

ClinVar aggregate classification (germline): Uncertain significance (1 of 4 stars; one submission).

Submission:

Labcorp Genetics (formerly Invitae), Labcorp
Classification: Uncertain significance. Last evaluated: 2022-01-26. Review status: criteria provided, single submitter. Criteria: Invitae Variant Classification Sherloc (09022015). Collection method: clinical testing. Allele origin: germline.
Comment: This variant has not been reported in the literature in individuals affected with POLE-related conditions. This variant is not present in population databases (gnomAD no frequency). This sequence change replaces asparagine, which is neutral and polar, with lysine, which is basic and polar, at codon 1867 of the POLE protein (p.Asn1867Lys). Algorithms developed to predict the effect of missense changes on protein structure and function are either unavailable or do not agree on the potential impact of this missense change (SIFT: "Deleterious"; PolyPhen-2: "Possibly Damaging"; Align-GVGD: "Class C0"). In summary, the available evidence is currently insufficient to determine the role of this variant in disease. Therefore, it has been classified as a Variant of Uncertain Significance.